The following is an entry in ClinVar:

ClinVar aggregate classification (germline): Conflicting classifications of pathogenicity. Review status: criteria provided, conflicting classifications (1 of 4 stars). 2 submissions from 1 submitter: Uncertain significance (1); Likely benign (1). Last evaluated 2018-01-13.

Conditions:
Usher syndrome type 1D (USH1D). Also called: USHER SYNDROME, TYPE ID. Identifiers: Orphanet 231169, Orphanet 886, MedGen C1832845, MONDO:0010984, OMIM 601067.
Autosomal recessive nonsyndromic hearing loss 12. Also called: DEAFNESS, AUTOSOMAL RECESSIVE 12. Identifiers: Orphanet 90636, MedGen C1832394, MONDO:0011067, OMIM 601386.

Allele frequency attached by ClinVar (database versions not stated): gnomAD 0.00385 and 0.00438; gnomAD exomes 0.00700; TOPMed 0.00725; 1000 Genomes Project 30x 0.00968; 1000 Genomes Project 0.01038.
gnomAD v4.1: 690 of 156,614 alleles (0.44%); highest among the groups gnomAD compares: Admixed American, 2.9%; 10 homozygotes.

Submissions (2):

Illumina Laboratory Services, Illumina
Classification: Uncertain significance for Autosomal recessive nonsyndromic hearing loss 12. Last evaluated: 2018-01-13. Review status: criteria provided, single submitter. Criteria: ICSL Variant Classification Criteria 13 December 2019. Collection method: clinical testing. Allele origin: germline.

Illumina Laboratory Services, Illumina
Classification: Likely benign for Usher syndrome type 1D. Last evaluated: 2018-01-13. Review status: criteria provided, single submitter. Criteria: ICSL Variant Classification Criteria 13 December 2019. Collection method: clinical testing. Allele origin: germline.
Comment: This variant was observed in the ICSL laboratory as part of a predisposition screen in an ostensibly healthy population. It had not been previously curated by ICSL or reported in the Human Gene Mutation Database (HGMD: prior to June 1st, 2018), and was therefore a candidate for classification through an automated scoring system. Utilizing variant allele frequency, disease prevalence and penetrance estimates, and inheritance mode, an automated score was calculated to assess if this variant is too frequent to cause the disease. Based on the score and internal cut-off values, a variant classified as likely benign is not then subjected to further curation. The score for this variant resulted in a classification of likely benign for this disease.

NM_022124.6(CDH23):c.*515C>A

Gene: CDH23 (cadherin related 23; plus strand). Cytogenetic location: 10q22.1.
Variant type: single nucleotide variant.
Coding change: c.*515C>A on transcript NM_022124.6 (MANE Select); 515 bases downstream of the stop codon, C replaced by A.
Molecular consequence: 3 prime UTR variant.
Genome position (GRCh38, 1-based): chr10:71,815,793, C>A. VCF-style: chr10-71815793-C-A. GRCh37 (hg19) VCF-style: chr10-73575550-C-A.
Other names: c.*515C>A (NM_001171933.1, NM_001171934.1, NM_001171935.1 and 1 more transcripts).
Identifiers: ClinVar variation 300494 (VCV000300494.6), dbSNP rs16929375, ClinGen allele CA10632052.